The following is an entry in ClinVar:

ClinVar aggregate classification (germline): Pathogenic. Review status: criteria provided, multiple submitters, no conflicts (2 of 4 stars). 3 submissions from 3 submitters: Pathogenic (2). 1 of the submissions does not count toward it. Last evaluated 2024-01-15.

Conditions:
Congenital secretory diarrhea, chloride type (DIAR1). Also called: DIARRHEA 1, SECRETORY CHLORIDE, CONGENITAL; CHLORIDORRHEA, CONGENITAL; CHLORIDE DIARRHEA, CONGENITAL, FINNISH TYPE. Identifiers: Orphanet 53689, MedGen C0267662, MONDO:0008964, OMIM 214700.

Allele frequency attached by ClinVar (database versions not stated): TOPMed 0.00001; gnomAD exomes 0.00004; ExAC 0.00006.
gnomAD v4.1: 14 of 1,613,252 alleles (0.00087%); highest among the groups gnomAD compares: East Asian, 0.031%; no homozygotes.

Submissions (3):

Labcorp Genetics (formerly Invitae), Labcorp
Classification: Pathogenic. Last evaluated: 2024-01-15. Review status: criteria provided, single submitter. Criteria: Invitae Variant Classification Sherloc (09022015). Collection method: clinical testing. Allele origin: germline.
Comment: This sequence change affects an acceptor splice site in intron 18 of the SLC26A3 gene. It is expected to disrupt RNA splicing. Variants that disrupt the donor or acceptor splice site typically lead to a loss of protein function (PMID: 16199547), and loss-of-function variants in SLC26A3 are known to be pathogenic (PMID: 9718329, 21394828). This variant is present in population databases (rs386833471, gnomAD 0.05%). Disruption of this splice site has been observed in individuals with congenital chloride diarrhea (PMID: 22779076, 23274434, 25711268). ClinVar contains an entry for this variant (Variation ID: 55989). Algorithms developed to predict the effect of sequence changes on RNA splicing suggest that this variant may disrupt the consensus splice site. For these reasons, this variant has been classified as Pathogenic.

3billion
Classification: Pathogenic for Congenital secretory diarrhea, chloride type. Last evaluated: 2021-10-02. Review status: criteria provided, single submitter. Criteria: ACMG Guidelines, 2015. Collection method: clinical testing. Allele origin: biparental. Affected: yes. Observed: 1 homozygote.
Comment: Canonical splice site: predicted to alter splicing and result in a loss or disruption of normal protein function through nonsense-mediated decay (NMD) or protein truncation. Multiple pathogenic variants are reported downstream of the variant (PVS1_VS). It is observed at an extremely low frequency in the gnomAD v2.1.1 dataset (total allele frequency: 0.0000361, PM2). The variant was observed in trans with a pathogenic variant as homozygous (3billion dataset, PM3_P). Therefore, this variant is classified as pathogenic according to the recommendation of ACMG/AMP guideline.

Juha Muilu Group; Institute for Molecular Medicine Finland (FIMM)
Classification: Likely pathogenic for Congenital secretory diarrhea, chloride type. Review status: no assertion criteria provided. Collection method: not provided. Allele origin: unknown. Not counted in ClinVar's aggregate classification.
Comment: FinDis database variant: This variant was not found or characterized by our laboratory, data were collected from public sources: see reference
ClinVar note: Converted during submission from probable-pathogenic to Likely pathogenic.

Literature cited by the submitters: PubMed 16199547 (cited by Labcorp Genetics (formerly Invitae), Labcorp); PubMed 9718329 (cited by Labcorp Genetics (formerly Invitae), Labcorp); PubMed 21394828 (cited by Labcorp Genetics (formerly Invitae), Labcorp); PubMed 22779076 (cited by Labcorp Genetics (formerly Invitae), Labcorp); PubMed 23274434 (cited by Labcorp Genetics (formerly Invitae), Labcorp); PubMed 25711268 (cited by Labcorp Genetics (formerly Invitae), Labcorp).

NM_000111.3(SLC26A3):c.2063-1G>T

Gene: SLC26A3 (solute carrier family 26 member 3; minus strand). Cytogenetic location: 7q22.3.
Variant type: single nucleotide variant.
Coding change: c.2063-1G>T on transcript NM_000111.3 (MANE Select); the canonical splice acceptor site of the intron before coding-DNA position 2063, G replaced by T.
Molecular consequence: splice acceptor variant.
Genome position (GRCh38, 1-based): chr7:107,767,909, C>A on the plus strand (G>T on the coding strand, the complement: SLC26A3 is on the minus strand). VCF-style: chr7-107767909-C-A. GRCh37 (hg19) VCF-style: chr7-107408354-C-A.
Identifiers: ClinVar variation 55989 (VCV000055989.9), dbSNP rs386833471, ClinGen allele CA144081.
Genomic context (GRCh38, chr7:107,767,909, plus strand): 5'-TTGAGCTTTTCACTTCACCATCAAAAAATTCATACCGGTTAAGCTTCTCAATGAAGTCAT[C>A]TGAAGAGAAAAAAACAGTAACTTTTAGGAAGAAACAATTGTTTGGCTACCGGTTTCCCCT-3'